The following is an entry in ClinVar:

ClinVar aggregate classification (germline): Likely benign (1 of 4 stars; one submission).

Conditions:
ATXN2-related disorder. Also called: ATXN2-related condition.

gnomAD v4.1: 29 of 702,870 alleles (0.0041%); highest among the groups gnomAD compares: African/African-American, 0.047%; no homozygotes.

Submission:

PreventionGenetics, part of Exact Sciences
Classification: Likely benign for ATXN2-related condition. Last evaluated: 2026-01-30. Review status: criteria provided, single submitter. Criteria: ACMG Guidelines, 2015. Collection method: clinical testing. Allele origin: germline.
Comment: This variant is classified as likely benign based on ACMG/AMP sequence variant interpretation guidelines (Richards et al. 2015 PMID: 25741868, with internal and published modifications).

NM_001372574.1(ATXN2):c.3270+974A>C

Gene: ATXN2 (ataxin 2; minus strand). Cytogenetic location: 12q24.12.
Variant type: single nucleotide variant.
Coding change: c.3270+974A>C on transcript NM_001372574.1 (MANE Select); 974 bases into the intron after coding-DNA position 3270, A replaced by C.
Molecular consequence: intron variant. On other transcripts: missense variant (1).
Genome position (GRCh38, 1-based): chr12:111,455,055, T>G on the plus strand (A>C on the coding strand, the complement: ATXN2 is on the minus strand). VCF-style: chr12-111455055-T-G. GRCh37 (hg19) VCF-style: chr12-111892859-T-G.
Other names: c.3014A>C, p.Glu1005Ala (NM_001310121.1); c.2823+974A>C (NM_001310123.1); c.3264+974A>C (NM_002973.4); short protein forms E1005A.
Identifiers: ClinVar variation 4988660 (VCV004988660.1).
Genomic context (GRCh38, chr12:111,455,055, plus strand): 5'-TTGCAGGGTGAGGACGCCCAAACTTCCCAGAGCTGTGGAACTCTACTTACAAGGTAGCCT[T>G]CTGAGAGATAGATCCAACTGAGTCGCATCTCTAGCCCACACCTTGCCAGAGCCTCACTGG-3'